The following is an entry in ClinVar:

ClinVar aggregate classification (germline): Uncertain significance (1 of 4 stars; one submission).

Conditions:
Ataxia-telangiectasia syndrome (AT). Also called: LOUIS-BAR SYNDROME; Ataxia-telangiectasia, complementation group D; ATAXIA-TELANGIECTASIA, COMPLEMENTATION GROUP A; ATAXIA-TELANGIECTASIA, FRESNO VARIANT; Ataxia-telangiectasia; Ataxia telangiectasia (A-T). Identifiers: Orphanet 100, MedGen C0004135, MONDO:0008840, OMIM 208900.

Submission:

Labcorp Genetics (formerly Invitae), Labcorp
Classification: Uncertain significance for Ataxia-telangiectasia syndrome. Last evaluated: 2023-02-17. Review status: criteria provided, single submitter. Criteria: Invitae Variant Classification Sherloc (09022015). Collection method: clinical testing. Allele origin: germline.
Comment: This sequence change replaces aspartic acid, which is acidic and polar, with valine, which is neutral and non-polar, at codon 1815 of the ATM protein (p.Asp1815Val). This variant is not present in population databases (gnomAD no frequency). This variant has not been reported in the literature in individuals affected with ATM-related conditions. An algorithm developed to predict the effect of missense changes on protein structure and function (PolyPhen-2) suggests that this variant is likely to be tolerated. Algorithms developed to predict the effect of sequence changes on RNA splicing suggest that this variant may create or strengthen a splice site. In summary, the available evidence is currently insufficient to determine the role of this variant in disease. Therefore, it has been classified as a Variant of Uncertain Significance.

NM_000051.4(ATM):c.5444A>T (p.Asp1815Val)

Gene: ATM (ATM serine/threonine kinase; plus strand). Cytogenetic location: 11q22.3.
Variant type: single nucleotide variant.
Coding change: c.5444A>T on transcript NM_000051.4 (MANE Select); coding-DNA position 5444, A replaced by T.
Protein change: p.Asp1815Val; replaces aspartic acid 1815 with valine.
Molecular consequence: missense variant.
Genome position (GRCh38, 1-based): chr11:108,302,977, A>T. VCF-style: chr11-108302977-A-T. GRCh37 (hg19) VCF-style: chr11-108173704-A-T.
Other names: c.5444A>T, p.Asp1815Val (NM_001351834.2); short protein forms D1815V.
Identifiers: ClinVar variation 2837255 (VCV002837255.3), dbSNP rs2135930084, ClinGen allele CA382544181.